The following is an entry in ClinVar:

NM_001184880.2(PCDH19):c.1441G>A (p.Asp481Asn)

Gene: PCDH19 (protocadherin 19; minus strand). Cytogenetic location: Xq22.1.
Variant type: single nucleotide variant.
Coding change: c.1441G>A on transcript NM_001184880.2 (MANE Select); coding-DNA position 1441, G replaced by A.
Protein change: p.Asp481Asn; replaces aspartic acid 481 with asparagine.
Molecular consequence: missense variant.
Genome position (GRCh38, 1-based): chrX:100,407,157, C>T on the plus strand (G>A on the coding strand, the complement: PCDH19 is on the minus strand). VCF-style: chrX-100407157-C-T. GRCh37 (hg19) VCF-style: chrX-99662155-C-T.
Other names: c.1441G>A, p.Asp481Asn (NM_001105243.2, NM_020766.3); short protein forms D481N.
Identifiers: ClinVar variation 2505843 (VCV002505843.2), dbSNP rs2520982209, ClinGen allele CA414002722.

ClinVar aggregate classification (germline): Pathogenic (1 of 4 stars; one submission).

Submission:

GeneDx
Classification: Pathogenic. Last evaluated: 2025-11-23. Review status: criteria provided, single submitter. Criteria: GeneDx Variant Classification Process June 2021. Collection method: clinical testing. Allele origin: germline. Affected: yes.
Comment: Not observed at significant frequency in large population cohorts (gnomAD); In silico analysis supports that this missense variant has a deleterious effect on protein structure/function; This variant is associated with the following publications: (PMID: 30582250, 29377098)